The following is an entry in ClinVar:

NM_015512.5(DNAH1):c.781T>G (p.Trp261Gly)

Gene: DNAH1 (dynein axonemal heavy chain 1; plus strand). Cytogenetic location: 3p21.1.
Variant type: single nucleotide variant.
Coding change: c.781T>G on transcript NM_015512.5 (MANE Select); coding-DNA position 781, T replaced by G.
Protein change: p.Trp261Gly; replaces tryptophan 261 with glycine.
Molecular consequence: missense variant.
Genome position (GRCh38, 1-based): chr3:52,327,924, T>G. VCF-style: chr3-52327924-T-G. GRCh37 (hg19) VCF-style: chr3-52361940-T-G.
Other names: short protein forms W261G.
Identifiers: ClinVar variation 4782618 (VCV004782618.1).

ClinVar aggregate classification (germline): Uncertain significance (1 of 4 stars; one submission).

Conditions:
Spermatogenic failure 18. Identifiers: MedGen C4539783, MONDO:0054615, OMIM 617576.
Ciliary dyskinesia, primary, 37 (CILD37). Also called: CILIARY DYSKINESIA, PRIMARY, 37, WITH OR WITHOUT SITUS INVERSUS. Identifiers: MedGen C4539798, MONDO:0033204, OMIM 617577.

Submission:

Labcorp Genetics (formerly Invitae), Labcorp
Classification: Uncertain significance for Ciliary dyskinesia, primary, 37; Spermatogenic failure 18. Last evaluated: 2025-06-14. Review status: criteria provided, single submitter. Criteria: Invitae Variant Classification Sherloc (09022015). Collection method: clinical testing. Allele origin: germline.
Comment: This sequence change replaces tryptophan, which is neutral and slightly polar, with glycine, which is neutral and non-polar, at codon 261 of the DNAH1 protein (p.Trp261Gly). This variant is present in population databases (rs749744493, gnomAD 0.03%). This variant has not been reported in the literature in individuals affected with DNAH1-related conditions. An algorithm developed to predict the effect of missense changes on protein structure and function (PolyPhen-2) suggests that this variant is likely to be disruptive. In summary, the available evidence is currently insufficient to determine the role of this variant in disease. Therefore, it has been classified as a Variant of Uncertain Significance.